The following is an entry in ClinVar:

NM_182931.3(KMT2E):c.3673A>G (p.Asn1225Asp)

Gene: KMT2E (lysine methyltransferase 2E (inactive); plus strand). Cytogenetic location: 7q22.3.
Variant type: single nucleotide variant.
Coding change: c.3673A>G on transcript NM_182931.3 (MANE Select); coding-DNA position 3673, A replaced by G.
Protein change: p.Asn1225Asp; replaces asparagine 1225 with aspartic acid.
Molecular consequence: missense variant.
Genome position (GRCh38, 1-based): chr7:105,109,146, A>G. VCF-style: chr7-105109146-A-G. GRCh37 (hg19) VCF-style: chr7-104749593-A-G.
Other names: c.3673A>G (NM_182931.2); c.3673A>G, p.Asn1225Asp (NM_001410908.1, NM_018682.4); short protein forms N1225D.
Identifiers: ClinVar variation 2192231 (VCV002192231.6), dbSNP rs752920772, ClinGen allele CA4424537.

ClinVar aggregate classification (germline): Conflicting classifications of pathogenicity. Review status: criteria provided, conflicting classifications (1 of 4 stars). 3 submissions from 3 submitters: Uncertain significance (2); Likely benign (1). Last evaluated 2026-01-05.

Conditions:
Inborn genetic diseases. Identifiers: MedGen C0950123, MeSH D030342.

Allele frequency attached by ClinVar (database versions not stated): gnomAD 0.00001; TOPMed 0.00001; ExAC 0.00002.
gnomAD v4.1: 19 of 1,614,040 alleles (0.0012%); highest among the groups gnomAD compares: Non-Finnish European, 0.0014%; no homozygotes.

Submissions (3):

Labcorp Genetics (formerly Invitae), Labcorp
Classification: Uncertain significance. Last evaluated: 2026-01-05. Review status: criteria provided, single submitter. Criteria: Invitae Variant Classification Sherloc (09022015). Collection method: clinical testing. Allele origin: germline.
Comment: This sequence change replaces asparagine, which is neutral and polar, with aspartic acid, which is acidic and polar, at codon 1225 of the KMT2E protein (p.Asn1225Asp). This variant is present in population databases (rs752920772, gnomAD 0.004%). This variant has not been reported in the literature in individuals affected with KMT2E-related conditions. ClinVar contains an entry for this variant (Variation ID: 2192231). Invitae Evidence Modeling of protein sequence and biophysical properties (such as structural, functional, and spatial information, amino acid conservation, physicochemical variation, residue mobility, and thermodynamic stability) indicates that this missense variant is not expected to disrupt KMT2E protein function with a negative predictive value of 80%. In summary, the available evidence is currently insufficient to determine the role of this variant in disease. Therefore, it has been classified as a Variant of Uncertain Significance.

Ambry Genetics
Classification: Uncertain significance for Inborn genetic diseases. Last evaluated: 2025-10-15. Review status: criteria provided, single submitter. Criteria: Ambry Variant Classification Scheme 2023. Collection method: clinical testing. Allele origin: germline.

Laboratory of Genetics, Children's Clinical University Hospital Latvia
Classification: Likely benign. Last evaluated: 2025-02-16. Review status: criteria provided, single submitter. Criteria: ACMG Guidelines, 2015. Collection method: clinical testing. Allele origin: germline. Affected: yes.